The following is an entry in ClinVar:

NM_001377299.1(NDUFS2):c.158A>G (p.Tyr53Cys)

Gene: NDUFS2 (NADH:ubiquinone oxidoreductase core subunit S2; plus strand). Cytogenetic location: 1q23.3.
Variant type: single nucleotide variant.
Coding change: c.158A>G on transcript NM_001377299.1 (MANE Select); coding-DNA position 158, A replaced by G.
Protein change: p.Tyr53Cys; replaces tyrosine 53 with cysteine.
Molecular consequence: missense variant. On other transcripts: non-coding transcript variant (1).
Genome position (GRCh38, 1-based): chr1:161,203,499, A>G. VCF-style: chr1-161203499-A-G. GRCh37 (hg19) VCF-style: chr1-161173289-A-G.
Other names: p.Y53C:TAC>TGC; c.158A>G, p.Tyr53Cys (NM_001166159.2, NM_001377298.1, NM_001377300.1 and 3 more transcripts); short protein forms Y53C.
Identifiers: ClinVar variation 214799 (VCV000214799.8), dbSNP rs774162709, ClinGen allele CA320051.

ClinVar aggregate classification (germline): Conflicting classifications of pathogenicity. Review status: criteria provided, conflicting classifications (1 of 4 stars). 5 submissions from 5 submitters: Likely pathogenic (1); Uncertain significance (3). 1 of the submissions does not count toward it. Last evaluated 2025-03-04.

Conditions:
Leber-like hereditary optic neuropathy, autosomal recessive 2. Also called: Leber hereditary optic neuropathy, autosomal recessive 2. Identifiers: MedGen C5882713, MONDO:0958197, OMIM 620569.
Mitochondrial complex I deficiency, nuclear type 1. Also called: NADH-COENZYME Q REDUCTASE DEFICIENCY; MITOCHONDRIAL NADH DEHYDROGENASE COMPONENT OF COMPLEX I, DEFICIENCY OF. Identifiers: MedGen C6022305, MONDO:0100224, OMIM 252010.
Mitochondrial complex I deficiency, nuclear type 6. Also called: Mitochondrial complex 1 deficiency, nuclear type 6. Identifiers: MedGen C4748759, MONDO:0032611, OMIM 618228.

Allele frequency attached by ClinVar (database versions not stated): TOPMed below 0.00001; ExAC 0.00001; gnomAD 0.00001; gnomAD exomes 0.00001 and 0.00003.
gnomAD v4.1: 51 of 1,613,924 alleles (0.0032%); highest among the groups gnomAD compares: Non-Finnish European, 0.0041%; no homozygotes.

Submissions (5):

GeneDx
Classification: Likely pathogenic. Last evaluated: 2025-03-04. Review status: criteria provided, single submitter. Criteria: GeneDx Variant Classification Process June 2021. Collection method: clinical testing. Allele origin: germline. Affected: yes.
Comment: In silico analysis indicates that this missense variant does not alter protein structure/function; Not observed at significant frequency in large population cohorts (gnomAD); This variant is associated with the following publications: (PMID: 28031252, 35921593)

Women's Health and Genetics/Laboratory Corporation of America, LabCorp
Classification: Uncertain significance. Last evaluated: 2023-09-20. Review status: criteria provided, single submitter. Criteria: LabCorp Variant Classification Summary - May 2015. Collection method: clinical testing. Allele origin: germline.
Comment: Variant summary: NDUFS2 c.158A>G (p.Tyr53Cys) results in a non-conservative amino acid change in the encoded protein sequence. Three of five in-silico tools predict a damaging effect of the variant on protein function. The variant allele was found at a frequency of 8e-06 in 251370 control chromosomes (gnomAD). The available data on variant occurrences in the general population are insufficient to allow any conclusion about variant significance. c.158A>G has been reported in the literature in compound heterozygous individuals affected with non-syndromic Leber hereditary optic neuropathy (LHON)-like optic neuropathy. (e.g., Gerber_2017), and the variant was shown to segregate with disease among three siblings. These data indicate that the variant may be associated with disease. At least one publication reports experimental evidence evaluating an impact on protein function, however, does not allow convincing conclusions about the variant effect (e.g., Gerber_2017). The following publication was ascertained in the context of this evaluation (PMID: 28031252). One submitter has reported clinical-significance assessments for this variant to ClinVar after 2014 and has classified the variant as uncertain significance. Based on the evidence outlined above, the variant was classified as VUS-possibly pathogenic.

Genome-Nilou Lab
Classification: Uncertain significance for Mitochondrial complex I deficiency, nuclear type 6. Last evaluated: 2023-04-11. Review status: criteria provided, single submitter. Criteria: ACMG Guidelines, 2015. Collection method: clinical testing. Allele origin: germline. Affected: no.

Baylor Genetics
Classification: Uncertain significance for Mitochondrial complex I deficiency, nuclear type 1. Last evaluated: 2019-02-14. Review status: criteria provided, single submitter. Criteria: ACMG Guidelines, 2015. Collection method: clinical testing. Allele origin: maternal. Affected: yes.
Comment: This variant was determined to be of uncertain significance according to ACMG Guidelines, 2015 [PMID:25741868].

OMIM
Classification: Pathogenic for LEBER-LIKE HEREDITARY OPTIC NEUROPATHY, AUTOSOMAL RECESSIVE 2 (1 family). Last evaluated: 2024-01-09. Review status: no assertion criteria provided. Collection method: literature only. Allele origin: germline. Not counted in ClinVar's aggregate classification.

Literature cited by the submitters: PubMed 28031252 (cited by Women's Health and Genetics/Laboratory Corporation of America, LabCorp and OMIM).